The following is an entry in ClinVar:

NM_002578.5(PAK3):c.1492C>T (p.Arg498Cys)

Gene: PAK3 (p21 (RAC1) activated kinase 3; plus strand). Cytogenetic location: Xq23.
Variant type: single nucleotide variant.
Coding change: c.1492C>T on transcript NM_002578.5 (MANE Select); coding-DNA position 1492, C replaced by T.
Protein change: p.Arg498Cys; replaces arginine 498 with cysteine.
Molecular consequence: missense variant. On other transcripts: non-coding transcript variant (2).
Genome position (GRCh38, 1-based): chrX:111,216,505, C>T. VCF-style: chrX-111216505-C-T. GRCh37 (hg19) VCF-style: chrX-110459733-C-T.
Other names: p.Arg498Cys; c.1492C>T, p.Arg498Cys (NM_001128166.3, NM_001128167.3, NM_001324325.2 and 5 more transcripts); c.1600C>T, p.Arg534Cys (NM_001128168.3); c.1555C>T, p.Arg519Cys (NM_001128172.2); c.1537C>T, p.Arg513Cys (NM_001128173.3, NM_001324327.2, NM_001324328.2 and 2 more transcripts); short protein forms R519C, R513C, R534C, R498C.
Identifiers: ClinVar variation 1440106 (VCV001440106.9), dbSNP rs777234110, ClinGen allele CA10492810.
Genomic context (GRCh38, chrX:111,216,505, plus strand): 5'-GGAACTCCAGAGCTCCAGAATCCTGAGAGACTGTCAGCTGTATTCCGTGACTTTTTAAAT[C>T]GCTGTCTTGAGATGGATGTGGATAGGCGAGGATCTGCCAAGGAGCTTTTGCAGGTGAAAA-3'
Protein context (NP_002569.1, residues 488-508): LSAVFRDFLN[Arg498Cys]CLEMDVDRRG

ClinVar aggregate classification (germline): Uncertain significance. Review status: criteria provided, multiple submitters, no conflicts (2 of 4 stars). 2 submissions from 2 submitters: Uncertain significance (2). Last evaluated 2021-09-26.

Allele frequency attached by ClinVar (database versions not stated): TOPMed below 0.00001; gnomAD 0.00001; gnomAD exomes 0.00001; ExAC 0.00002.

Submissions (2):

Labcorp Genetics (formerly Invitae), Labcorp
Classification: Uncertain significance. Last evaluated: 2021-09-26. Review status: criteria provided, single submitter. Criteria: Invitae Variant Classification Sherloc (09022015). Collection method: clinical testing. Allele origin: germline.
Comment: In summary, the available evidence is currently insufficient to determine the role of this variant in disease. Therefore, it has been classified as a Variant of Uncertain Significance. Algorithms developed to predict the effect of missense changes on protein structure and function output the following: SIFT: "Not Available"; PolyPhen-2: "Benign"; Align-GVGD: "Not Available". The cysteine amino acid residue is found in multiple mammalian species, which suggests that this missense change does not adversely affect protein function. This variant has not been reported in the literature in individuals affected with PAK3-related conditions. This variant is present in population databases (rs777234110, ExAC 0.01%). This sequence change replaces arginine with cysteine at codon 498 of the PAK3 protein (p.Arg498Cys). The arginine residue is moderately conserved and there is a large physicochemical difference between arginine and cysteine.

Mayo Clinic Laboratories, Mayo Clinic
Classification: Uncertain significance. Last evaluated: 2021-07-23. Review status: criteria provided, single submitter. Criteria: ACMG Guidelines, 2015. Collection method: clinical testing. Allele origin: germline.